The following is an entry in ClinVar:

ClinVar aggregate classification (germline): Uncertain significance (1 of 4 stars; one submission).

gnomAD v4.1: 6 of 1,613,916 alleles (0.00037%); highest among the groups gnomAD compares: African/African-American, 0.0053%; no homozygotes.

Submission:

Labcorp Genetics (formerly Invitae), Labcorp
Classification: Uncertain significance. Last evaluated: 2024-07-16. Review status: criteria provided, single submitter. Criteria: Invitae Variant Classification Sherloc (09022015). Collection method: clinical testing. Allele origin: germline.
Comment: This sequence change replaces cysteine, which is neutral and slightly polar, with arginine, which is basic and polar, at codon 561 of the ELP1 protein (p.Cys561Arg). This variant is present in population databases (rs372706811, gnomAD 0.007%). This variant has not been reported in the literature in individuals affected with ELP1-related conditions. Advanced modeling of protein sequence and biophysical properties (such as structural, functional, and spatial information, amino acid conservation, physicochemical variation, residue mobility, and thermodynamic stability) performed at Invitae indicates that this missense variant is expected to disrupt ELP1 protein function with a positive predictive value of 80%. In summary, the available evidence is currently insufficient to determine the role of this variant in disease. Therefore, it has been classified as a Variant of Uncertain Significance.

NM_003640.5(ELP1):c.1681T>C (p.Cys561Arg)

Gene: ELP1 (elongator acetyltransferase complex subunit 1; minus strand). Cytogenetic location: 9q31.3.
Variant type: single nucleotide variant.
Coding change: c.1681T>C on transcript NM_003640.5 (MANE Select); coding-DNA position 1681, T replaced by C.
Protein change: p.Cys561Arg; replaces cysteine 561 with arginine.
Molecular consequence: missense variant.
Genome position (GRCh38, 1-based): chr9:108,903,632, A>G on the plus strand (T>C on the coding strand, the complement: ELP1 is on the minus strand). VCF-style: chr9-108903632-A-G. GRCh37 (hg19) VCF-style: chr9-111665912-A-G.
Other names: c.1339T>C, p.Cys447Arg (NM_001318360.2); c.634T>C, p.Cys212Arg (NM_001330749.2); short protein forms C561R, C447R, C212R.
Identifiers: ClinVar variation 3705424 (VCV003705424.1).
Genomic context (GRCh38, chr9:108,903,632, plus strand): 5'-ACTTAAATATCTGGCCATCAGCCAGCTGTAATACTACTGACTTGGTCTTGGAATTGCAAC[A>G]TAGACTGATTATGACCCCATCCACCGCTGCAGATGAACTGACAAAAAAAAGGAGAAGGGA-3'
Protein context (NP_003631.2, residues 551-571): AAVDGVIISL[Cys561Arg]CNSKTKSVVL